The following is an entry in ClinVar:

ClinVar aggregate classification (germline): Benign. Review status: criteria provided, single submitter (1 of 4 stars). 2 submissions from 2 submitters: Benign (1). 1 of the submissions does not count toward it. Last evaluated 2025-11-03.

Allele frequency attached by ClinVar (database versions not stated): gnomAD exomes 0.00014 and 0.00029; ESP Exome Variant Server 0.00015; gnomAD 0.00018 and 0.00019; TOPMed 0.00022; ExAC 0.00023.
gnomAD v4.1: 256 of 1,606,508 alleles (0.016%); highest among the groups gnomAD compares: Non-Finnish European, 0.0032%; 2 homozygotes.

Submissions (2):

Labcorp Genetics (formerly Invitae), Labcorp
Classification: Benign. Last evaluated: 2025-11-03. Review status: criteria provided, single submitter. Criteria: Invitae Variant Classification Sherloc (09022015). Collection method: clinical testing. Allele origin: germline.

ITMI
No classification provided. Condition: AllHighlyPenetrant. Last evaluated: 2013-09-19. Review status: no classification provided. Collection method: reference population. Allele origin: germline. Not counted in ClinVar's aggregate classification.
Comment: Please see associated publication for description of ethnicities

Literature cited by the submitters: PubMed 24728327 (cited by ITMI).

NM_005157.6(ABL1):c.2581G>A (p.Ala861Thr)

Gene: ABL1 (ABL proto-oncogene 1, non-receptor tyrosine kinase; plus strand). Cytogenetic location: 9q34.12.
Variant type: single nucleotide variant.
Coding change: c.2581G>A on transcript NM_005157.6 (MANE Select); coding-DNA position 2581, G replaced by A.
Protein change: p.Ala861Thr; replaces alanine 861 with threonine.
Molecular consequence: missense variant.
Genome position (GRCh38, 1-based): chr9:130,884,871, G>A. VCF-style: chr9-130884871-G-A. GRCh37 (hg19) VCF-style: chr9-133760258-G-A.
Other names: c.2638G>A, p.Ala880Thr (NM_007313.3); short protein forms A861T, A880T.
Identifiers: ClinVar variation 133446 (VCV000133446.5), dbSNP rs199613441, ClinGen allele CA156548.